The following is an entry in ClinVar:

ClinVar aggregate classification (germline): Uncertain significance (1 of 4 stars; one submission).

Conditions:
Hereditary cancer-predisposing syndrome. Also called: Neoplastic Syndromes, Hereditary; Tumor predisposition; Hereditary Cancer Syndrome; Hereditary neoplastic syndrome. Identifiers: Orphanet 140162, MedGen C0027672, MeSH D009386, MONDO:0015356.

Submission:

Ambry Genetics
Classification: Uncertain significance for Hereditary cancer-predisposing syndrome. Last evaluated: 2025-10-10. Review status: criteria provided, single submitter. Criteria: Ambry Variant Classification Scheme 2023. Collection method: clinical testing. Allele origin: germline.
Comment: The p.K1165T variant (also known as c.3494A>C), located in coding exon 15 of the APC gene, results from an A to C substitution at nucleotide position 3494. The lysine at codon 1165 is replaced by threonine, an amino acid with similar properties. This amino acid position is conserved. In addition, in silico predictors for this gene do not accurately predict pathogenicity. Based on the available evidence, the clinical significance of this variant remains unclear.

NM_000038.6(APC):c.3494A>C (p.Lys1165Thr)

Gene: APC (APC regulator of Wnt signaling pathway; plus strand). Cytogenetic location: 5q22.2.
Variant type: single nucleotide variant.
Coding change: c.3494A>C on transcript NM_000038.6 (MANE Select); coding-DNA position 3494, A replaced by C.
Protein change: p.Lys1165Thr; replaces lysine 1165 with threonine.
Molecular consequence: missense variant. On other transcripts: non-coding transcript variant (2).
Genome position (GRCh38, 1-based): chr5:112,839,088, A>C. VCF-style: chr5-112839088-A-C. GRCh37 (hg19) VCF-style: chr5-112174785-A-C.
Other names: c.3494A>C, p.Lys1165Thr (NM_001127510.3, NM_001354895.2, NM_001407450.1); c.3440A>C, p.Lys1147Thr (NM_001127511.3); c.3548A>C, p.Lys1183Thr (NM_001354896.2, NM_001407447.1, NM_001407448.1 and 1 more transcripts); c.3524A>C, p.Lys1175Thr (NM_001354897.2); c.3419A>C, p.Lys1140Thr (NM_001354898.2); c.3410A>C, p.Lys1137Thr (NM_001354899.2); c.3371A>C, p.Lys1124Thr (NM_001354900.2); c.3317A>C, p.Lys1106Thr (NM_001354901.2, NM_001407453.1); and 11 more; short protein forms K1005T, K1039T, K1183T, K781T, K882T, K1036T, K1082T, K1147T.
Identifiers: ClinVar variation 4582232 (VCV004582232.1).
Genomic context (GRCh38, chr5:112,839,088, plus strand): 5'-AACGTTACTCTGAAGAAGAACAGCATGAAGAAGAAGAGAGACCAACAAATTATAGCATAA[A>C]ATATAATGAAGAGAAACGTCATGTGGATCAGCCTATTGATTATAGTTTAAAATATGCCAC-3'
Protein context (NP_000029.2, residues 1155-1175): EEERPTNYSI[Lys1165Thr]YNEEKRHVDQ